The following is an entry in ClinVar:

ClinVar aggregate classification (germline): Likely benign. Review status: criteria provided, multiple submitters, no conflicts (2 of 4 stars). 2 submissions from 2 submitters: Likely benign (2). Last evaluated 2025-03-27.

Conditions:
LAMA5-related disorder. Also called: LAMA5-related condition; LAMA5-Related Disorders.

Allele frequency attached by ClinVar (database versions not stated): gnomAD 0.00003; TOPMed 0.00006; ExAC 0.00007; gnomAD exomes 0.00008; ESP Exome Variant Server 0.00016.
gnomAD v4.1: 121 of 1,580,164 alleles (0.0077%); highest among the groups gnomAD compares: Non-Finnish European, 0.01%; no homozygotes.

Submissions (2):

PreventionGenetics, part of Exact Sciences
Classification: Likely benign for LAMA5-related condition. Last evaluated: 2025-03-27. Review status: criteria provided, single submitter. Criteria: ACMG Guidelines, 2015. Collection method: clinical testing. Allele origin: germline.
Comment: This variant is classified as likely benign based on ACMG/AMP sequence variant interpretation guidelines (Richards et al. 2015 PMID: 25741868, with internal and published modifications).

Labcorp Genetics (formerly Invitae), Labcorp
Classification: Likely benign. Last evaluated: 2023-03-30. Review status: criteria provided, single submitter. Criteria: Invitae Variant Classification Sherloc (09022015). Collection method: clinical testing. Allele origin: germline.

NM_005560.6(LAMA5):c.534C>T (p.Phe178=)

Genes: LAMA5 (laminin subunit alpha 5; minus strand), LAMA5-AS1 (LAMA5 antisense RNA 1; plus strand). Cytogenetic location: 20q13.33.
Variant type: single nucleotide variant.
Coding change: c.534C>T on transcript NM_005560.6 (MANE Select); coding-DNA position 534, C replaced by T.
Protein change: p.Phe178=; no amino-acid change (phenylalanine 178 retained).
Molecular consequence: synonymous variant. On other transcripts: non-coding transcript variant (3).
Genome position (GRCh38, 1-based): chr20:62,353,168, G>A on the plus strand (C>T on the coding strand, the complement: LAMA5 is on the minus strand). VCF-style: chr20-62353168-G-A. GRCh37 (hg19) VCF-style: chr20-60928224-G-A.
Other names: c.534C>T (NM_005560.4).
Identifiers: ClinVar variation 2715976 (VCV002715976.4), dbSNP rs367906041, ClinGen allele CA9944421.
Genomic context (GRCh38, chr20:62,353,168, plus strand): 5'-CAGGCCCCACGGCGGCAGAGACTCACAGGCAAAGAACTGCCAGGGCTGGTAGGTGCGGCC[G>A]AAGTCCATGGACCGCTCCAGCACCCAGAGGTCCGGCCGGGGTGAGTTGGCAAACTTGATG-3'
Protein context (NP_005551.3, residues 168-188): DLWVLERSMD[Phe178=]GRTYQPWQFF